The following is an entry in ClinVar:

NM_001365480.1(CCDC88A):c.3766C>T (p.Gln1256Ter)

Gene: CCDC88A (coiled-coil and HOOK domain protein 88A; minus strand). Cytogenetic location: 2p16.1.
Variant type: single nucleotide variant.
Coding change: c.3766C>T on transcript NM_001365480.1 (MANE Select); coding-DNA position 3766, C replaced by T.
Protein change: p.Gln1256Ter; replaces glutamine 1256 with a stop codon.
Molecular consequence: nonsense.
Genome position (GRCh38, 1-based): chr2:55,316,095, G>A on the plus strand (C>T on the coding strand, the complement: CCDC88A is on the minus strand). VCF-style: chr2-55316095-G-A. GRCh37 (hg19) VCF-style: chr2-55543231-G-A.
Other names: c.3763C>T, p.Gln1255Ter (NM_001135597.2, NM_001254943.2); c.3766C>T, p.Gln1256Ter (NM_018084.5); short protein forms Q1255*, Q1256*.
Identifiers: ClinVar variation 3644068 (VCV003644068.2).

ClinVar aggregate classification (germline): Pathogenic (1 of 4 stars; one submission).

gnomAD v4.1: 1 of 1,499,762 alleles (0.000067%); highest among the groups gnomAD compares: African/African-American, 0.0014%; no homozygotes.

Submission:

Labcorp Genetics (formerly Invitae), Labcorp
Classification: Pathogenic. Last evaluated: 2024-03-02. Review status: criteria provided, single submitter. Criteria: Invitae Variant Classification Sherloc (09022015). Collection method: clinical testing. Allele origin: germline.
Comment: This sequence change creates a premature translational stop signal (p.Gln1255*) in the CCDC88A gene. It is expected to result in an absent or disrupted protein product. Loss-of-function variants in CCDC88A are known to be pathogenic (PMID: 26917597, 30392057). This variant is not present in population databases (gnomAD no frequency). This variant has not been reported in the literature in individuals affected with CCDC88A-related conditions. For these reasons, this variant has been classified as Pathogenic.

Literature cited by the submitters: PubMed 26917597; PubMed 30392057.